The following is an entry in ClinVar:

NM_000202.8(IDS):c.254C>A (p.Ala85Asp)

Gene: IDS (iduronate 2-sulfatase; minus strand). Cytogenetic location: Xq28.
Variant type: single nucleotide variant.
Coding change: c.254C>A on transcript NM_000202.8 (MANE Select); coding-DNA position 254, C replaced by A.
Protein change: p.Ala85Asp; replaces alanine 85 with aspartic acid.
Molecular consequence: missense variant. On other transcripts: non-coding transcript variant (1), intron variant (1).
Genome position (GRCh38, 1-based): chrX:149,503,476, G>T on the plus strand (C>A on the coding strand, the complement: IDS is on the minus strand). VCF-style: chrX-149503476-G-T. GRCh37 (hg19) VCF-style: chrX-148585006-G-T.
Other names: c.254C>A, p.Ala85Asp (NM_006123.5); c.15-31C>A (NM_001166550.4); c.254C>A (NM_000202.7); short protein forms A85D.
Identifiers: ClinVar variation 3255633 (VCV003255633.4).

ClinVar aggregate classification (germline): Pathogenic/Likely pathogenic. Review status: criteria provided, multiple submitters, no conflicts (2 of 4 stars). 3 submissions from 3 submitters: Pathogenic (1); Likely pathogenic (2). Last evaluated 2025-05-27.

Conditions:
Mucopolysaccharidosis, MPS-II (MPS2). Also called: Attenuated MPS (subtype; formerly known as mild MPS II); Severe MPS II; I2S deficiency; MPS 2; Hunter Syndrome; IDURONATE 2-SULFATASE DEFICIENCY. Identifiers: Orphanet 580, Orphanet 79388, MedGen C0026705, MONDO:0010674, OMIM 309900.
Mucopolysaccharidosis, MPS-III-A (MPS3A). Also called: HEPARAN SULFATE SULFATASE DEFICIENCY; SANFILIPPO SYNDROME A; SULFAMIDASE DEFICIENCY; MPS III A; Mucopolysaccharidosis, type IIIA; mucopolysaccharidosis type 3A. Identifiers: Orphanet 581, Orphanet 79269, MedGen C0086647, MONDO:0009655, OMIM 252900.

Submissions (3):

Labcorp Genetics (formerly Invitae), Labcorp
Classification: Likely pathogenic for Mucopolysaccharidosis, MPS-II. Last evaluated: 2025-05-27. Review status: criteria provided, single submitter. Criteria: Invitae Variant Classification Sherloc (09022015). Collection method: clinical testing. Allele origin: germline.
Comment: This sequence change replaces alanine, which is neutral and non-polar, with aspartic acid, which is acidic and polar, at codon 85 of the IDS protein (p.Ala85Asp). This variant is not present in population databases (gnomAD no frequency). This missense change has been observed in individual(s) with mucopolysaccharidosis type II (PMID: 22976768). ClinVar contains an entry for this variant (Variation ID: 3255633). Invitae Evidence Modeling of protein sequence and biophysical properties (such as structural, functional, and spatial information, amino acid conservation, physicochemical variation, residue mobility, and thermodynamic stability) indicates that this missense variant is expected to disrupt IDS protein function with a positive predictive value of 80%. This variant disrupts the p.Ala85 amino acid residue in IDS. Other variant(s) that disrupt this residue have been determined to be pathogenic (PMID: 8940265, 17091340, 25976201, 31877959). This suggests that this residue is clinically significant, and that variants that disrupt this residue are likely to be disease-causing. In summary, the currently available evidence indicates that the variant is pathogenic, but additional data are needed to prove that conclusively. Therefore, this variant has been classified as Likely Pathogenic.

Laboratory of Diagnosis and Therapy of Lysosomal Disorders, University of Padova
Classification: Pathogenic for Mucopolysaccharidosis, MPS-II. Last evaluated: 2024-06-07. Review status: criteria provided, single submitter. Criteria: ACMG Guidelines, 2015. Collection method: literature only. Allele origin: germline. Affected: yes. Observed: 1 variant allele.
Comment: Absent from controls (or at low frequency) in gnomAD database (PM2_Moderate), Missense change at the same amino acid residue as a pathogenic variant (PM5_Moderate), Missense variant in a gene with a low rate of benign missense variation (PP2_Supporting), Multiple lines of computational evidence support a deleterious effect (PP3_Supporting), Patient’s phenotype or family history highly specific for the disease (PP4_Strong)

Classification method: ACMG Guidelines [PMID:25741868] with modifications

Natera, Inc.
Classification: Likely pathogenic for Mucopolysaccharidosis type IIIA. Last evaluated: 2024-03-11. Review status: criteria provided, single submitter. Criteria: Natera Variant Classification Schema (03/2026). Collection method: clinical testing. Allele origin: germline.
Comment: The c.254C>A variant in IDS is a missense variant predicted to cause substitution of alanine to aspartic acid at amino acid 85. This variant is rare in the general population with a frequency below the threshold expected for the associated phenotype(s). This variant has been observed in affected individual(s) with monoallelic occurrence (heterozygous/hemizygous) (PMID: 22976768). A different variant at the same position has been determined to be Pathogenic or Likely Pathogenic. Computational prediction algorithms indicate this variant is likely to affect gene or protein function. Given the available evidence, this variant is classified as Likely Pathogenic.

Literature cited by the submitters: PubMed 22976768 (cited by 3 submitters); PubMed 8940265 (cited by Labcorp Genetics (formerly Invitae), Labcorp); PubMed 17091340 (cited by Labcorp Genetics (formerly Invitae), Labcorp); PubMed 25976201 (cited by Labcorp Genetics (formerly Invitae), Labcorp); PubMed 31877959 (cited by Labcorp Genetics (formerly Invitae), Labcorp).